The following is an entry in ClinVar:

ClinVar aggregate classification (germline): Uncertain significance (1 of 4 stars; one submission).

Conditions:
FG syndrome (FGS). Identifiers: MedGen C0220769, MONDO:0002010.

Submission:

Labcorp Genetics (formerly Invitae), Labcorp
Classification: Uncertain significance for FG syndrome. Last evaluated: 2025-05-15. Review status: criteria provided, single submitter. Criteria: Invitae Variant Classification Sherloc (09022015). Collection method: clinical testing. Allele origin: germline.
Comment: This sequence change replaces valine, which is neutral and non-polar, with methionine, which is neutral and non-polar, at codon 1071 of the MED12 protein (p.Val1071Met). This variant is not present in population databases (gnomAD no frequency). This variant has not been reported in the literature in individuals affected with MED12-related conditions. An algorithm developed to predict the effect of missense changes on protein structure and function (PolyPhen-2) suggests that this variant is likely to be disruptive. In summary, the available evidence is currently insufficient to determine the role of this variant in disease. Therefore, it has been classified as a Variant of Uncertain Significance.

NM_005120.3(MED12):c.3211G>A (p.Val1071Met)

Gene: MED12 (mediator complex subunit 12; plus strand). Cytogenetic location: Xq13.1.
Variant type: single nucleotide variant.
Coding change: c.3211G>A on transcript NM_005120.3 (MANE Select); coding-DNA position 3211, G replaced by A.
Protein change: p.Val1071Met; replaces valine 1071 with methionine.
Molecular consequence: missense variant.
Genome position (GRCh38, 1-based): chrX:71,128,297, G>A. VCF-style: chrX-71128297-G-A. GRCh37 (hg19) VCF-style: chrX-70348147-G-A.
Other names: short protein forms V1071M.
Identifiers: ClinVar variation 4719644 (VCV004719644.1).